The following is an entry in ClinVar:

ClinVar aggregate classification (germline): Likely pathogenic (1 of 4 stars; one submission).

Conditions:
Cardiovascular phenotype. Identifiers: MedGen CN230736.

Submission:

Ambry Genetics
Classification: Likely pathogenic for Cardiovascular phenotype. Last evaluated: 2023-06-23. Review status: criteria provided, single submitter. Criteria: Ambry Variant Classification Scheme 2023. Collection method: clinical testing. Allele origin: germline.
Comment: The c.73547dupG variant, located in coding exon 184 of the TTN gene, results from a duplication of G at nucleotide position 73547, causing a translational frameshift with a predicted alternate stop codon (p.T24517Hfs*11). This exon is located in the A-band region of the N2-B isoform of the titin protein and is constitutively expressed in TTN transcripts (percent spliced in or PSI 100%). This variant is considered to be rare based on population cohorts in the Genome Aggregation Database (gnomAD). This alteration is expected to result in loss of function by premature protein truncation or nonsense-mediated mRNA decay. While truncating variants in TTN are present in 1-3% of the general population, truncating variants in the A-band are the most common cause of dilated cardiomyopathy (DCM) (Herman DS et al. N. Engl. J. Med., 2012 Feb;366:619-28; Roberts AM et al. Sci Transl Med, 2015 Jan;7:270ra6). TTN truncating variants encoded in constitutive exons (PSI >90%) have been found to be significantly associated with DCM regardless of their position in titin (Schafer S et al. Nat. Genet., 2017 01;49:46-53). Based on the majority of available evidence to date, this variant is likely to be pathogenic.

NM_001267550.2(TTN):c.100742dup (p.Thr33582fs)

Genes: TTN (titin; minus strand), TTN-AS1 (TTN antisense RNA 1; plus strand). Cytogenetic location: 2q31.2.
Variant type: Duplication.
Coding change: c.100742dup on transcript NM_001267550.2 (MANE Select); coding-DNA position 100742, one base duplicated (G; older notation c.100742dupG).
Protein change: p.Thr33582fs; shifts the reading frame from threonine 33582.
Molecular consequence: frameshift variant.
Genome position (GRCh38, 1-based): chr2:178,536,005, C duplicated on the plus strand (G on the coding strand, the reverse complement: TTN is on the minus strand); the first of 2 consecutive C bases (chr2:178,536,005-178,536,006); duplicating either gives the same sequence. VCF-style (leftmost placement, unchanged base first): chr2-178536004-G-GC. GRCh37 (hg19) VCF-style: chr2-179400731-G-GC.
Other names: c.95819dup, p.Thr31941fs (NM_001256850.1); c.73547dup, p.Thr24517fs (NM_003319.4); c.93038dup, p.Thr31014fs (NM_133378.4); c.73922dup, p.Thr24642fs (NM_133432.3); c.74123dup, p.Thr24709fs (NM_133437.4); c.73547dupG (NM_003319.4); short protein forms T24517fs, T24642fs, T31941fs, T24709fs, T31014fs, T33582fs.
Identifiers: ClinVar variation 2586514 (VCV002586514.2), dbSNP rs2468602856, ClinGen allele CA2582341687.